The following is an entry in ClinVar:

NM_198407.2(GHSR):c.163G>A (p.Val55Met)

Gene: GHSR (growth hormone secretagogue receptor; minus strand). Cytogenetic location: 3q26.31.
Variant type: single nucleotide variant.
Coding change: c.163G>A on transcript NM_198407.2 (MANE Select); coding-DNA position 163, G replaced by A.
Protein change: p.Val55Met; replaces valine 55 with methionine.
Molecular consequence: missense variant.
Genome position (GRCh38, 1-based): chr3:172,448,251, C>T on the plus strand (G>A on the coding strand, the complement: GHSR is on the minus strand). VCF-style: chr3-172448251-C-T. GRCh37 (hg19) VCF-style: chr3-172166041-C-T.
Other names: c.163G>A, p.Val55Met (NM_004122.2); short protein forms V55M.
Identifiers: ClinVar variation 2631632 (VCV002631632.1), dbSNP rs1737532838, ClinGen allele CA355516371.

ClinVar aggregate classification (germline): Uncertain significance (1 of 4 stars; one submission).

Conditions:
GHSR-related disorder. Also called: GHSR-related condition.

Submission:

PreventionGenetics, part of Exact Sciences
Classification: Uncertain significance for GHSR-related condition. Last evaluated: 2023-08-06. Review status: criteria provided, single submitter. Criteria: ACMG Guidelines, 2015. Collection method: clinical testing. Allele origin: germline.
Comment: The GHSR c.163G>A variant is predicted to result in the amino acid substitution p.Val55Met. To our knowledge, this variant has not been reported in the literature or in a large population database, indicating this variant is rare. At this time, the clinical significance of this variant is uncertain due to the absence of conclusive functional and genetic evidence.